The following is an entry in ClinVar:

NM_133510.4(RAD51B):c.880G>C (p.Ala294Pro)

Gene: RAD51B (RAD51 paralog B; plus strand). Cytogenetic location: 14q24.1.
Variant type: single nucleotide variant.
Coding change: c.880G>C on transcript NM_133510.4 (MANE Select); coding-DNA position 880, G replaced by C.
Protein change: p.Ala294Pro; replaces alanine 294 with proline.
Molecular consequence: missense variant.
Genome position (GRCh38, 1-based): chr14:68,411,450, G>C. VCF-style: chr14-68411450-G-C. GRCh37 (hg19) VCF-style: chr14-68878167-G-C.
Other names: c.880G>C, p.Ala294Pro (NM_001321809.2, NM_001321810.2, NM_001321812.1 and 6 more transcripts); c.766G>C, p.Ala256Pro (NM_001321815.1); c.523G>C, p.Ala175Pro (NM_001321817.2); short protein forms A294P, A175P, A256P.
Identifiers: ClinVar variation 3786423 (VCV003786423.1).

ClinVar aggregate classification (germline): Uncertain significance (1 of 4 stars; one submission).

gnomAD v4.1: 18 of 1,614,094 alleles (0.0011%); highest among the groups gnomAD compares: Middle Eastern, 0.017%; no homozygotes.

Submission:

Ambry Genetics
Classification: Uncertain significance. Last evaluated: 2025-01-19. Review status: criteria provided, single submitter. Criteria: Ambry Variant Classification Scheme 2023. Collection method: clinical testing. Allele origin: germline.
Comment: The p.A294P variant (also known as c.880G>C), located in coding exon 8 of the RAD51B gene, results from a G to C substitution at nucleotide position 880. The alanine at codon 294 is replaced by proline, an amino acid with highly similar properties. This amino acid position is conserved. In addition, this alteration is predicted to be deleterious by in silico analysis. Based on the available evidence, the clinical significance of this variant remains unclear.